The following is an entry in ClinVar:

NM_006531.5(IFT88):c.2279A>C (p.Glu760Ala)

Gene: IFT88 (intraflagellar transport 88; plus strand). Cytogenetic location: 13q12.11.
Variant type: single nucleotide variant.
Coding change: c.2279A>C on transcript NM_006531.5 (MANE Select); coding-DNA position 2279, A replaced by C.
Protein change: p.Glu760Ala; replaces glutamic acid 760 with alanine.
Molecular consequence: missense variant. On other transcripts: non-coding transcript variant (4), intron variant (5).
Genome position (GRCh38, 1-based): chr13:20,690,741, A>C. VCF-style: chr13-20690741-A-C. GRCh37 (hg19) VCF-style: chr13-21264880-A-C.
Other names: c.2222A>C, p.Glu741Ala (NM_001318491.2); c.2306A>C, p.Glu769Ala (NM_001318493.2, NM_001353565.2, NM_001353566.2 and 2 more transcripts); c.2279A>C, p.Glu760Ala (NM_001353568.2); c.2204A>C, p.Glu735Ala (NM_001353569.2, NM_001353570.2); c.2177A>C, p.Glu726Ala (NM_001353571.2); c.2135A>C, p.Glu712Ala (NM_001353573.2); c.2120A>C, p.Glu707Ala (NM_001353574.2); c.1646A>C, p.Glu549Ala (NM_001353579.2); and 4 more; short protein forms E707A, E735A, E769A, E549A, E741A, E760A, E712A, E726A.
Identifiers: ClinVar variation 1929711 (VCV001929711.5), dbSNP rs746017151, ClinGen allele CA246509879.

ClinVar aggregate classification (germline): Uncertain significance (1 of 4 stars; one submission).

Allele frequency attached by ClinVar (database versions not stated): TOPMed 0.00001; gnomAD 0.00002.
gnomAD v4.1: 6 of 1,613,702 alleles (0.00037%); highest among the groups gnomAD compares: African/African-American, 0.0067%; no homozygotes.

Submission:

Labcorp Genetics (formerly Invitae), Labcorp
Classification: Uncertain significance. Last evaluated: 2025-04-30. Review status: criteria provided, single submitter. Criteria: Invitae Variant Classification Sherloc (09022015). Collection method: clinical testing. Allele origin: germline.
Comment: This sequence change replaces glutamic acid, which is acidic and polar, with alanine, which is neutral and non-polar, at codon 769 of the IFT88 protein (p.Glu769Ala). This variant is not present in population databases (gnomAD no frequency). This variant has not been reported in the literature in individuals affected with IFT88-related conditions. ClinVar contains an entry for this variant (Variation ID: 1929711). An algorithm developed to predict the effect of missense changes on protein structure and function (PolyPhen-2) suggests that this variant is likely to be tolerated. In summary, the available evidence is currently insufficient to determine the role of this variant in disease. Therefore, it has been classified as a Variant of Uncertain Significance.